The following is an entry in ClinVar:

ClinVar aggregate classification (germline): Uncertain significance. Review status: criteria provided, multiple submitters, no conflicts (2 of 4 stars). 4 submissions from 4 submitters: Uncertain significance (4). Last evaluated 2025-08-29.

Conditions:
Hereditary cancer-predisposing syndrome. Also called: Neoplastic Syndromes, Hereditary; Hereditary Cancer Syndrome; Tumor predisposition; Hereditary neoplastic syndrome. Identifiers: Orphanet 140162, MedGen C0027672, MeSH D009386, MONDO:0015356.
Multiple endocrine neoplasia, type 1 (MEN1). Also called: Endocrine adenomatosis multiple; MEN 1; MEA I; MEN I; WERMER SYNDROME. Identifiers: Orphanet 652, MedGen C0025267, MeSH D018761, MONDO:0007540, OMIM 131100.

Allele frequency attached by ClinVar (database versions not stated): gnomAD 0.00001.
gnomAD v4.1: 1 of 1,614,066 alleles (0.000062%); highest among the groups gnomAD compares: Admixed American, 0.0017%; no homozygotes.

Submissions (4):

Ambry Genetics
Classification: Uncertain significance for Hereditary cancer-predisposing syndrome. Last evaluated: 2025-08-29. Review status: criteria provided, single submitter. Criteria: Ambry Variant Classification Scheme 2023. Collection method: clinical testing. Allele origin: germline.
Comment: The p.G190R variant (also known as c.568G>A), located in coding exon 2 of the MEN1 gene, results from a G to A substitution at nucleotide position 568. The glycine at codon 190 is replaced by arginine, an amino acid with dissimilar properties. This amino acid position is highly conserved in available vertebrate species. In addition, this alteration is predicted to be deleterious by in silico analysis. Since supporting evidence is limited at this time, the clinical significance of this alteration remains unclear.

Labcorp Genetics (formerly Invitae), Labcorp
Classification: Uncertain significance for Multiple endocrine neoplasia, type 1. Last evaluated: 2025-03-19. Review status: criteria provided, single submitter. Criteria: Invitae Variant Classification Sherloc (09022015). Collection method: clinical testing. Allele origin: germline.
Comment: This sequence change replaces glycine, which is neutral and non-polar, with arginine, which is basic and polar, at codon 190 of the MEN1 protein (p.Gly190Arg). This variant is not present in population databases (gnomAD no frequency). This variant has not been reported in the literature in individuals affected with MEN1-related conditions. ClinVar contains an entry for this variant (Variation ID: 527273). Invitae Evidence Modeling of protein sequence and biophysical properties (such as structural, functional, and spatial information, amino acid conservation, physicochemical variation, residue mobility, and thermodynamic stability) indicates that this missense variant is expected to disrupt MEN1 protein function with a positive predictive value of 95%. In summary, the available evidence is currently insufficient to determine the role of this variant in disease. Therefore, it has been classified as a Variant of Uncertain Significance.

Dasa
Classification: Uncertain significance for Multiple endocrine neoplasia, type 1. Last evaluated: 2024-11-14. Review status: criteria provided, single submitter. Criteria: DASA Assertion Criteria. Collection method: clinical testing. Allele origin: germline.
Comment: NM_001370259.2(MEN1):c.568G>A (p.Gly190Arg) is a missense variant that results in the substitution of glycine with arginine. This variant is rare in population databases. Computational prediction algorithms are consistent with a deleterious effect. The currently available literature and clinical evidence are not sufficient to establish a definitive association between this variant and the reported condition. Therefore, this variant is classified as a variant of uncertain significance.

Baylor Genetics
Classification: Uncertain significance for Multiple Endocrine Neoplasia Type 1. Last evaluated: 2023-09-04. Review status: criteria provided, single submitter. Criteria: ACMG Guidelines, 2015. Collection method: clinical testing. Allele origin: unknown.

NM_001370259.2(MEN1):c.568G>A (p.Gly190Arg)

Gene: MEN1 (menin 1; minus strand). Cytogenetic location: 11q13.1.
Variant type: single nucleotide variant.
Coding change: c.568G>A on transcript NM_001370259.2 (MANE Select); coding-DNA position 568, G replaced by A.
Protein change: p.Gly190Arg; replaces glycine 190 with arginine.
Molecular consequence: missense variant. On other transcripts: intron variant (2).
Genome position (GRCh38, 1-based): chr11:64,807,977, C>T on the plus strand (G>A on the coding strand, the complement: MEN1 is on the minus strand). VCF-style: chr11-64807977-C-T. GRCh37 (hg19) VCF-style: chr11-64575449-C-T.
Other names: c.583G>A, p.Gly195Arg (NM_000244.4, NM_130800.3, NM_130801.3 and 3 more transcripts); c.568G>A, p.Gly190Arg (NM_001370251.2, NM_001370260.2, NM_001370261.2 and 1 more transcripts); c.549+19G>A (NM_001370263.2, NM_001370262.2); short protein forms G195R, G190R.
Identifiers: ClinVar variation 527273 (VCV000527273.19), dbSNP rs1555165742, ClinGen allele CA381185697.